The following is an entry in ClinVar:

NM_004991.4(MECOM):c.3655G>A (p.Val1219Met)

Gene: MECOM (MDS1 and EVI1 complex locus; minus strand). Cytogenetic location: 3q26.2.
Variant type: single nucleotide variant.
Coding change: c.3655G>A on transcript NM_004991.4 (MANE Select); coding-DNA position 3655, G replaced by A.
Protein change: p.Val1219Met; replaces valine 1219 with methionine.
Molecular consequence: missense variant.
Genome position (GRCh38, 1-based): chr3:169,084,974, C>T on the plus strand (G>A on the coding strand, the complement: MECOM is on the minus strand). VCF-style: chr3-169084974-C-T. GRCh37 (hg19) VCF-style: chr3-168802762-C-T.
Other names: c.3091G>A (NM_001105078.3); c.3655G>A (NM_004991.3); c.3286G>A, p.Val1096Met (NM_001105077.4); c.3091G>A, p.Val1031Met (NM_001105078.4, NM_001205194.2, NM_001366469.2 and 1 more transcripts); c.3067G>A, p.Val1023Met (NM_001163999.2, NM_001366470.2); c.3064G>A, p.Val1022Met (NM_001164000.2, NM_001366471.2, NM_001366472.2); c.3628G>A, p.Val1210Met (NM_001366466.2); c.3094G>A, p.Val1032Met (NM_001366467.2, NM_001366468.2); and 2 more; short protein forms V1219M, V698M, V1031M, V1096M, V1022M, V1023M, V1032M, V886M.
Identifiers: ClinVar variation 1971911 (VCV001971911.7), dbSNP rs200073118, ClinGen allele CA2695835.

ClinVar aggregate classification (germline): Uncertain significance. Review status: criteria provided, multiple submitters, no conflicts (2 of 4 stars). 3 submissions from 3 submitters: Uncertain significance (3). Last evaluated 2026-02-18.

Conditions:
Inborn genetic diseases. Identifiers: MedGen C0950123, MeSH D030342.
MECOM-related disorder. Also called: MECOM-related condition.

gnomAD v4.1: 24 of 1,613,952 alleles (0.0015%); highest among the groups gnomAD compares: Admixed American, 0.013%; no homozygotes.

Submissions (3):

PreventionGenetics, part of Exact Sciences
Classification: Uncertain significance for MECOM-related condition. Last evaluated: 2026-02-18. Review status: criteria provided, single submitter. Criteria: ACMG Guidelines, 2015. Collection method: clinical testing. Allele origin: germline.
Comment: The MECOM c.3091G>A variant is predicted to result in the amino acid substitution p.Val1031Met. To our knowledge, this variant has not been reported in the literature. This variant is reported in 0.0085% of alleles in individuals of Latino descent in gnomAD. At this time, the clinical significance of this variant is uncertain due to the absence of conclusive functional and genetic evidence.

Ambry Genetics
Classification: Uncertain significance for Inborn genetic diseases. Last evaluated: 2024-11-23. Review status: criteria provided, single submitter. Criteria: Ambry Variant Classification Scheme 2023. Collection method: clinical testing. Allele origin: germline.
Comment: The p.V1219M variant (also known as c.3655G>A), located in coding exon 17 of the MECOM gene, results from a G to A substitution at nucleotide position 3655. The valine at codon 1219 is replaced by methionine, an amino acid with highly similar properties. This amino acid position is conserved. In addition, this alteration is predicted to be tolerated by in silico analysis. Based on the available evidence, the clinical significance of this variant remains unclear.

Labcorp Genetics (formerly Invitae), Labcorp
Classification: Uncertain significance. Last evaluated: 2024-04-07. Review status: criteria provided, single submitter. Criteria: Invitae Variant Classification Sherloc (09022015). Collection method: clinical testing. Allele origin: germline.
Comment: This sequence change replaces valine, which is neutral and non-polar, with methionine, which is neutral and non-polar, at codon 1031 of the MECOM protein (p.Val1031Met). This variant is present in population databases (rs200073118, gnomAD 0.009%). This variant has not been reported in the literature in individuals affected with MECOM-related conditions. ClinVar contains an entry for this variant (Variation ID: 1971911). Algorithms developed to predict the effect of missense changes on protein structure and function output the following: SIFT: "Not Available"; PolyPhen-2: "Not Available"; Align-GVGD: "Not Available". The methionine amino acid residue is found in multiple mammalian species, which suggests that this missense change does not adversely affect protein function. In summary, the available evidence is currently insufficient to determine the role of this variant in disease. Therefore, it has been classified as a Variant of Uncertain Significance.